The following is an entry in ClinVar:

ClinVar aggregate classification (germline): Conflicting classifications of pathogenicity. Review status: criteria provided, conflicting classifications (1 of 4 stars). 3 submissions from 3 submitters: Uncertain significance (1); Likely benign (1). 1 of the submissions does not count toward it. Last evaluated 2025-05-17.

Conditions:
Pulmonary fibrosis and/or bone marrow failure, Telomere-related, 3. Also called: PULMONARY FIBROSIS AND/OR BONE MARROW FAILURE SYNDROME, TELOMERE-RELATED, 3. Identifiers: Orphanet 2032, MedGen C4225346, MONDO:0014613, OMIM 616373.
Dyskeratosis congenita, autosomal recessive 5 (DKCB5). Identifiers: MedGen C3554656, MONDO:0014076, OMIM 615190.
Inborn genetic diseases. Identifiers: MedGen C0950123, MeSH D030342.
Dyskeratosis congenita. Identifiers: Orphanet 1775, MedGen C0265965, MONDO:0015780.

Allele frequency attached by ClinVar (database versions not stated): gnomAD exomes below 0.00001.
gnomAD v4.1: 6 of 1,613,988 alleles (0.00037%); highest among the groups gnomAD compares: Non-Finnish European, 0.00051%; no homozygotes.

Submissions (3):

Labcorp Genetics (formerly Invitae), Labcorp
Classification: Uncertain significance for Dyskeratosis congenita, autosomal recessive 5; Pulmonary fibrosis and/or bone marrow failure, Telomere-related, 3. Last evaluated: 2025-05-17. Review status: criteria provided, single submitter. Criteria: Invitae Variant Classification Sherloc (09022015). Collection method: clinical testing. Allele origin: germline.
Comment: This sequence change replaces isoleucine, which is neutral and non-polar, with valine, which is neutral and non-polar, at codon 222 of the RTEL1 protein (p.Ile222Val). This variant is present in population databases (no rsID available, gnomAD 0.0009%). This variant has not been reported in the literature in individuals affected with RTEL1-related conditions. ClinVar contains an entry for this variant (Variation ID: 1026442). An algorithm developed to predict the effect of missense changes on protein structure and function outputs the following: PolyPhen-2: "Benign". The valine amino acid residue is found in multiple mammalian species, which suggests that this missense change does not adversely affect protein function. In summary, the available evidence is currently insufficient to determine the role of this variant in disease. Therefore, it has been classified as a Variant of Uncertain Significance.

Ambry Genetics
Classification: Likely benign for Inborn genetic diseases. Last evaluated: 2024-12-06. Review status: criteria provided, single submitter. Criteria: Ambry Variant Classification Scheme 2023. Collection method: clinical testing. Allele origin: germline.

Natera, Inc.
Classification: Uncertain significance for Dyskeratosis congenita. Last evaluated: 2020-06-18. Review status: no assertion criteria provided. Collection method: clinical testing. Allele origin: germline. Not counted in ClinVar's aggregate classification.

NM_001283009.2(RTEL1):c.664A>G (p.Ile222Val)

Genes: RTEL1 (regulator of telomere elongation helicase 1; plus strand), RTEL1-TNFRSF6B (RTEL1-TNFRSF6B readthrough (NMD candidate); plus strand). Cytogenetic location: 20q13.33.
Variant type: single nucleotide variant.
Coding change: c.664A>G on transcript NM_001283009.2 (MANE Select); coding-DNA position 664, A replaced by G.
Protein change: p.Ile222Val; replaces isoleucine 222 with valine.
Molecular consequence: missense variant. On other transcripts: non-coding transcript variant (1), 5 prime UTR variant (1).
Genome position (GRCh38, 1-based): chr20:63,667,518, A>G. VCF-style: chr20-63667518-A-G. GRCh37 (hg19) VCF-style: chr20-62298871-A-G.
Other names: c.-6A>G (NM_001283010.1); c.664A>G, p.Ile222Val (NM_016434.4); c.736A>G, p.Ile246Val (NM_032957.5); short protein forms I222V, I246V.
Identifiers: ClinVar variation 1026442 (VCV001026442.5), dbSNP rs1235107432, ClinGen allele CA409670715.